The following is an entry in ClinVar:

ClinVar aggregate classification (germline): Likely benign. Review status: criteria provided, multiple submitters, no conflicts (2 of 4 stars). 2 submissions from 2 submitters: Likely benign (2). Last evaluated 2023-01-30.

Allele frequency attached by ClinVar (database versions not stated): ExAC 0.00004; ESP Exome Variant Server 0.00008.
gnomAD v4.1: 39 of 1,613,926 alleles (0.0024%); highest among the groups gnomAD compares: African/African-American, 0.011%; no homozygotes.

Submissions (2):

Blueprint Genetics
Classification: Likely benign. Last evaluated: 2023-01-30. Review status: criteria provided, single submitter. Criteria: ACMG Guidelines, 2015. Collection method: clinical testing. Allele origin: germline.

CeGaT Center for Human Genetics Tuebingen
Classification: Likely benign. Last evaluated: 2022-03-01. Review status: criteria provided, single submitter. Criteria: CeGaT Center For Human Genetics Tuebingen Variant Classification Criteria Version 2. Collection method: clinical testing. Allele origin: germline. Affected: yes. Observed: 1 variant allele.
Comment: TRAK1: BP4, BP7

NM_001042646.3(TRAK1):c.387C>T (p.Ala129=)

Gene: TRAK1 (trafficking kinesin protein 1; plus strand). Cytogenetic location: 3p22.1.
Variant type: single nucleotide variant.
Coding change: c.387C>T on transcript NM_001042646.3 (MANE Select); coding-DNA position 387, C replaced by T.
Protein change: p.Ala129=; no amino-acid change (alanine 129 retained).
Molecular consequence: synonymous variant. On other transcripts: non-coding transcript variant (1).
Genome position (GRCh38, 1-based): chr3:42,184,708, C>T. VCF-style: chr3-42184708-C-T. GRCh37 (hg19) VCF-style: chr3-42226200-C-T.
Other names: c.387C>T, p.Ala129= (NM_001265608.2, NM_001349246.2, NM_001349247.2); c.165C>T, p.Ala55= (NM_001265609.2, NM_001265610.1, NM_001349248.1 and 1 more transcripts); c.75C>T, p.Ala25= (NM_001349245.1); c.213C>T, p.Ala71= (NM_001410741.1, NM_014965.5).
Identifiers: ClinVar variation 2653703 (VCV002653703.25), dbSNP rs377073086, ClinGen allele CA2333093.